The following is an entry in ClinVar:

NM_001378454.1(ALMS1):c.8281C>T (p.Pro2761Ser)

Gene: ALMS1 (ALMS1 centrosome and basal body associated protein; plus strand). Cytogenetic location: 2p13.1.
Variant type: single nucleotide variant.
Coding change: c.8281C>T on transcript NM_001378454.1 (MANE Select); coding-DNA position 8281, C replaced by T.
Protein change: p.Pro2761Ser; replaces proline 2761 with serine.
Molecular consequence: missense variant.
Genome position (GRCh38, 1-based): chr2:73,490,240, C>T. VCF-style: chr2-73490240-C-T. GRCh37 (hg19) VCF-style: chr2-73717367-C-T.
Other names: c.8284C>T, p.Pro2762Ser (NM_015120.4); short protein forms P2761S, P2762S.
Identifiers: ClinVar variation 2145877 (VCV002145877.1), dbSNP rs369650940, ClinGen allele CA1714440.

ClinVar aggregate classification (germline): Uncertain significance (1 of 4 stars; one submission).

Conditions:
Alstrom syndrome (ALMS). Identifiers: Orphanet 64, MedGen C0268425, MONDO:0008763, OMIM 203800.

gnomAD v4.1: 5 of 1,613,952 alleles (0.00031%); highest among the groups gnomAD compares: Non-Finnish European, 0.00042%; no homozygotes.

Submission:

Labcorp Genetics (formerly Invitae), Labcorp
Classification: Uncertain significance for Alstrom syndrome. Last evaluated: 2022-03-14. Review status: criteria provided, single submitter. Criteria: Invitae Variant Classification Sherloc (09022015). Collection method: clinical testing. Allele origin: germline.
Comment: This sequence change replaces proline, which is neutral and non-polar, with serine, which is neutral and polar, at codon 2762 of the ALMS1 protein (p.Pro2762Ser). This variant is present in population databases (rs369650940, gnomAD 0.0009%). This variant has not been reported in the literature in individuals affected with ALMS1-related conditions. Experimental studies and prediction algorithms are not available or were not evaluated, and the functional significance of this variant is currently unknown. In summary, the available evidence is currently insufficient to determine the role of this variant in disease. Therefore, it has been classified as a Variant of Uncertain Significance.